The following is an entry in ClinVar:

NM_015272.5(RPGRIP1L):c.230+705G>A

Gene: RPGRIP1L (RPGRIP1 like; minus strand). Cytogenetic location: 16q12.2.
Variant type: single nucleotide variant.
Coding change: c.230+705G>A on transcript NM_015272.5 (MANE Select); 705 bases into the intron after coding-DNA position 230, G replaced by A.
Molecular consequence: intron variant. On other transcripts: synonymous variant (1).
Genome position (GRCh38, 1-based): chr16:53,695,446, C>T on the plus strand (G>A on the coding strand, the complement: RPGRIP1L is on the minus strand). VCF-style: chr16-53695446-C-T. GRCh37 (hg19) VCF-style: chr16-53729358-C-T.
Other names: c.243G>A, p.Lys81= (NM_001328422.2); c.230+705G>A (NM_001127897.4, NM_001330538.2, NM_001308334.3).
Identifiers: ClinVar variation 4985974 (VCV004985974.1).
Genomic context (GRCh38, chr16:53,695,446, plus strand): 5'-CTCCTTAGGATGGATTCTAAGCAGAAAAACCCTATTTTCATTCTTCAATGGTTGTCTCAC[C>T]TTTTCTTTGAACCTAGAACATAAATATGAATACAGACCTGCTCATGATTACACATCTGAA-3'

ClinVar aggregate classification (germline): Likely benign (1 of 4 stars; one submission).

Conditions:
RPGRIP1L-related disorder. Also called: RPGRIP1L-related disorders; RPGRIP1L-related condition. Identifiers: MedGen CN239416.

gnomAD v4.1: 4 of 702,912 alleles (0.00057%); highest among the groups gnomAD compares: Admixed American, 0.008%; no homozygotes.

Submission:

PreventionGenetics, part of Exact Sciences
Classification: Likely benign for RPGRIP1L-related condition. Last evaluated: 2026-04-13. Review status: criteria provided, single submitter. Criteria: ACMG Guidelines, 2015. Collection method: clinical testing. Allele origin: germline.
Comment: This variant is classified as likely benign based on ACMG/AMP sequence variant interpretation guidelines (Richards et al. 2015 PMID: 25741868, with internal and published modifications).